The following is an entry in ClinVar:

NM_006766.5(KAT6A):c.5546_5555del (p.Met1849fs)

Gene: KAT6A (lysine acetyltransferase 6A; minus strand). Cytogenetic location: 8p11.21.
Variant type: Deletion.
Coding change: c.5546_5555del on transcript NM_006766.5 (MANE Select); coding-DNA positions 5546 to 5555, 10 bases deleted (TGCCAGTGAA; older notation c.5546_5555delTGCCAGTGAA).
Protein change: p.Met1849fs; shifts the reading frame from methionine 1849.
Molecular consequence: frameshift variant.
Genome position (GRCh38, 1-based): chr8:41,932,665-41,932,674, TTCACTGGCA deleted on the plus strand (TGCCAGTGAA on the coding strand, the reverse complement: KAT6A is on the minus strand); deleting any 10 consecutive bases within chr8:41,932,665-41,932,676 gives the same sequence; the c. name uses the placement nearest the transcript's 3' end. VCF-style (leftmost placement, unchanged base first): chr8-41932664-CTTCACTGGCA-C. GRCh37 (hg19) VCF-style: chr8-41790182-CTTCACTGGCA-C.
Other names: short protein forms M1849fs.
Identifiers: ClinVar variation 280240 (VCV000280240.2), dbSNP rs886041480, ClinGen allele CA10603075.

ClinVar aggregate classification (germline): Pathogenic (1 of 4 stars; one submission).

Submission:

GeneDx
Classification: Pathogenic. Last evaluated: 2016-01-08. Review status: criteria provided, single submitter. Criteria: GeneDx Variant Classification (06012015). Collection method: clinical testing. Allele origin: germline. Affected: yes.
Comment: The c.5546_5555del10 variant in the KAT6A gene has not been reported previously as a pathogenic variant nor as a benign variant, to our knowledge. The c.5546_5555del10 variant causes a frameshift starting with codon Methionine 1849, changes this amino acid to an Arginine residue, and creates a premature Stop codon at position 46 of the new reading frame, denoted p.Met1849ArgfsX46. This variant is predicted to cause loss of normal protein function through protein truncation. The c.5546_5555del10 variant was not observed in approximately 6500 individuals of European and African American ancestry in the NHLBI Exome Sequencing Project, indicating it is not a common benign variant in these populations. We interpret c.5546_5555del10 as a pathogenic variant.